The following is an entry in ClinVar:

NM_001034853.2(RPGR):c.561_562insTTG (p.Thr187_Ile188insLeu)

Gene: RPGR (retinitis pigmentosa GTPase regulator; minus strand). Cytogenetic location: Xp11.4.
Variant type: Insertion.
Coding change: c.561_562insTTG on transcript NM_001034853.2 (MANE Select); coding-DNA positions 561 to 562, TTG inserted.
Protein change: p.Thr187_Ile188insLeu.
Molecular consequence: inframe insertion. On other transcripts: non-coding transcript variant (5).
Genome position: GRCh38 VCF-style: chrX-38317373-T-TCAA. GRCh37 (hg19) VCF-style: chrX-38176626-T-TCAA.
Other names: c.561_562insTTG, p.Thr187_Ile188insLeu (NM_000328.3, NM_001367245.1, NM_001367246.1 and 3 more transcripts); c.591_592insTTG, p.Thr197_Ile198insLeu (NM_001367248.1); c.558_559insTTG, p.Thr186_Ile187insLeu (NM_001367249.1).
Identifiers: ClinVar variation 2803495 (VCV002803495.3), dbSNP rs779230198, ClinGen allele CA10385631.

ClinVar aggregate classification (germline): Uncertain significance (1 of 4 stars; one submission).

Conditions:
Primary ciliary dyskinesia. Also called: Ciliary dyskinesia. Identifiers: Orphanet 244, MedGen C0008780, MONDO:0016575, HP:0012265.

Allele frequency attached by ClinVar (database versions not stated): gnomAD exomes below 0.00001; ExAC 0.00001.

Submission:

Labcorp Genetics (formerly Invitae), Labcorp
Classification: Uncertain significance for Primary ciliary dyskinesia. Last evaluated: 2022-11-14. Review status: criteria provided, single submitter. Criteria: Invitae Variant Classification Sherloc (09022015). Collection method: clinical testing. Allele origin: germline.
Comment: This variant, c.561_562insTTG, results in the insertion of 1 amino acid(s) of the RPGR protein (p.Thr187_Ile188insLeu), but otherwise preserves the integrity of the reading frame. This variant is present in population databases (rs779230198, gnomAD 0.004%). This variant has not been reported in the literature in individuals affected with RPGR-related conditions. In summary, the available evidence is currently insufficient to determine the role of this variant in disease. Therefore, it has been classified as a Variant of Uncertain Significance.